The following is an entry in ClinVar:

NM_014014.5(SNRNP200):c.1009G>A (p.Ala337Thr)

Gene: SNRNP200 (small nuclear ribonucleoprotein U5 subunit 200; minus strand). Cytogenetic location: 2q11.2.
Variant type: single nucleotide variant.
Coding change: c.1009G>A on transcript NM_014014.5 (MANE Select); coding-DNA position 1009, G replaced by A.
Protein change: p.Ala337Thr; replaces alanine 337 with threonine.
Molecular consequence: missense variant.
Genome position (GRCh38, 1-based): chr2:96,298,394, C>T on the plus strand (G>A on the coding strand, the complement: SNRNP200 is on the minus strand). VCF-style: chr2-96298394-C-T. GRCh37 (hg19) VCF-style: chr2-96964132-C-T.
Other names: short protein forms A337T.
Identifiers: ClinVar variation 1059691 (VCV001059691.9), dbSNP rs2104359095, ClinGen allele CA347684459.

ClinVar aggregate classification (germline): Uncertain significance (1 of 4 stars; one submission).

Submission:

Labcorp Genetics (formerly Invitae), Labcorp
Classification: Uncertain significance. Last evaluated: 2022-07-26. Review status: criteria provided, single submitter. Criteria: Invitae Variant Classification Sherloc (09022015). Collection method: clinical testing. Allele origin: germline.
Comment: In summary, the available evidence is currently insufficient to determine the role of this variant in disease. Therefore, it has been classified as a Variant of Uncertain Significance. Algorithms developed to predict the effect of missense changes on protein structure and function are either unavailable or do not agree on the potential impact of this missense change (SIFT: "Deleterious"; PolyPhen-2: "Possibly Damaging"; Align-GVGD: "Class C0"). ClinVar contains an entry for this variant (Variation ID: 1059691). This variant has not been reported in the literature in individuals affected with SNRNP200-related conditions. This variant is not present in population databases (gnomAD no frequency). This sequence change replaces alanine, which is neutral and non-polar, with threonine, which is neutral and polar, at codon 337 of the SNRNP200 protein (p.Ala337Thr).